The following is an entry in ClinVar:

ClinVar aggregate classification (germline): Conflicting classifications of pathogenicity. Review status: criteria provided, conflicting classifications (1 of 4 stars). 3 submissions from 3 submitters: Uncertain significance (1); Likely benign (1). 1 of the submissions does not count toward it. Last evaluated 2021-08-01.

Conditions:
Hereditary cancer-predisposing syndrome. Also called: Tumor predisposition; Hereditary Cancer Syndrome; Hereditary neoplastic syndrome; Neoplastic Syndromes, Hereditary. Identifiers: Orphanet 140162, MedGen C0027672, MeSH D009386, MONDO:0015356.

Allele frequency attached by ClinVar (database versions not stated): gnomAD exomes 0.00001; TOPMed 0.00001.
gnomAD v4.1: 25 of 1,613,780 alleles (0.0015%); highest among the groups gnomAD compares: Non-Finnish European, 0.0019%; no homozygotes.

Submissions (3):

Labcorp Genetics (formerly Invitae), Labcorp
Classification: Uncertain significance. Last evaluated: 2021-08-01. Review status: criteria provided, single submitter. Criteria: Invitae Variant Classification Sherloc (09022015). Collection method: clinical testing. Allele origin: germline.
Comment: In summary, the available evidence is currently insufficient to determine the role of this variant in disease. Therefore, it has been classified as a Variant of Uncertain Significance. This variant has been reported in an individual affected with breast cancer (PMID: 23054243). Experimental studies in a cell line have shown that this missense change does not impair XRCC2 protein function (PMID: 27233470). This variant is not present in population databases (ExAC no frequency). This sequence change replaces glutamic acid with glutamine at codon 75 of the XRCC2 protein (p.Glu75Gln). The glutamic acid residue is highly conserved and there is a small physicochemical difference between glutamic acid and glutamine.

Ambry Genetics
Classification: Likely benign for Hereditary cancer-predisposing syndrome. Last evaluated: 2019-03-28. Review status: criteria provided, single submitter. Criteria: Ambry Variant Classification Scheme 2023. Collection method: clinical testing. Allele origin: germline.

Leiden Open Variation Database
Classification: Likely benign. Last evaluated: 2013-03-01. Review status: no assertion criteria provided. Collection method: curation. Allele origin: germline. Affected: yes. Not counted in ClinVar's aggregate classification.
Comment: Curator: Arleen D. Auerbach. Submitter to LOVD: Florentine Hilbers.

Literature cited by the submitters: PubMed 23054243 (cited by Labcorp Genetics (formerly Invitae), Labcorp and Leiden Open Variation Database); PubMed 27233470 (cited by Labcorp Genetics (formerly Invitae), Labcorp and Ambry Genetics).

NM_005431.2(XRCC2):c.223G>C (p.Glu75Gln)

Gene: XRCC2 (X-ray repair cross complementing 2; minus strand). Cytogenetic location: 7q36.1.
Variant type: single nucleotide variant.
Coding change: c.223G>C on transcript NM_005431.2 (MANE Select); coding-DNA position 223, G replaced by C.
Protein change: p.Glu75Gln; replaces glutamic acid 75 with glutamine.
Molecular consequence: missense variant.
Genome position (GRCh38, 1-based): chr7:152,649,262, C>G on the plus strand (G>C on the coding strand, the complement: XRCC2 is on the minus strand). VCF-style: chr7-152649262-C-G. GRCh37 (hg19) VCF-style: chr7-152346347-C-G.
Other names: short protein forms E75Q.
Identifiers: ClinVar variation 486732 (VCV000486732.15), dbSNP rs1327414828, ClinGen allele CA370199167.